The following is an entry in ClinVar:

NM_032578.4(MYPN):c.1973T>C (p.Leu658Pro)

Gene: MYPN (myopalladin; plus strand). Cytogenetic location: 10q21.3.
Variant type: single nucleotide variant.
Coding change: c.1973T>C on transcript NM_032578.4 (MANE Select); coding-DNA position 1973, T replaced by C.
Protein change: p.Leu658Pro; replaces leucine 658 with proline.
Molecular consequence: missense variant. On other transcripts: non-coding transcript variant (2).
Genome position (GRCh38, 1-based): chr10:68,166,666, T>C. VCF-style: chr10-68166666-T-C. GRCh37 (hg19) VCF-style: chr10-69926423-T-C.
Other names: c.1973T>C, p.Leu658Pro (NM_001256267.2); c.1091T>C, p.Leu364Pro (NM_001256268.2); short protein forms L364P, L658P.
Identifiers: ClinVar variation 4860698 (VCV004860698.1).

ClinVar aggregate classification (germline): Uncertain significance (1 of 4 stars; one submission).

Conditions:
Cardiovascular phenotype. Identifiers: MedGen CN230736.

Submission:

Ambry Genetics
Classification: Uncertain significance for Cardiovascular phenotype. Last evaluated: 2026-04-08. Review status: criteria provided, single submitter. Criteria: Ambry Variant Classification Scheme 2023. Collection method: clinical testing. Allele origin: germline.
Comment: The c.1973T>C variant (also known as p.L658P), located in coding exon 9 of the MYPN gene, results from a T to C substitution at nucleotide position 1973. The amino acid change results in leucine to proline at codon 658, an amino acid with similar properties. This amino acid position is highly conserved in available vertebrate species. In addition, this alteration is predicted to be deleterious by in silico analysis. Based on the available evidence, the clinical significance of this variant remains unclear.